The following is an entry in ClinVar:

NM_024101.7(MLPH):c.880+10del

Gene: MLPH (melanophilin; plus strand). Cytogenetic location: 2q37.3.
Variant type: Deletion.
Coding change: c.880+10del on transcript NM_024101.7 (MANE Select); 10 bases into the intron after coding-DNA position 880, one base deleted (C; older notation c.880+10delC).
Molecular consequence: intron variant.
Genome position (GRCh38, 1-based): chr2:237,525,815, C deleted; the last of 3 consecutive C bases (chr2:237,525,813-237,525,815); deleting any one gives the same sequence. VCF-style (leftmost placement, unchanged base first): chr2-237525812-GC-G. GRCh37 (hg19) VCF-style: chr2-238434455-GC-G.
Other names: c.675+5786del (NM_001281474.2); c.880+10del (NM_001042467.3); c.760+10del (NM_001281473.2); c.880+10delC (NM_024101.6).
Identifiers: ClinVar variation 435877 (VCV000435877.16), dbSNP rs758805619, ClinGen allele CA2190366.
Genomic context (GRCh38, chr2:237,525,812, plus strand): 5'-TCTGCCCGCCTGGAGGCTCCCACAGGATGGCCCTGGGGACTGCTGCTGCACTCGGTAGGT[GC>G]CCTTGGCCAGGGTCTTCCTGATGGGCTCGGCATGGGGGAGCAGGTCACTGAGGAACAACC-3'

ClinVar aggregate classification (germline): Conflicting classifications of pathogenicity. Review status: criteria provided, conflicting classifications (1 of 4 stars). 4 submissions from 4 submitters: Uncertain significance (1); Likely benign (2). 1 of the submissions does not count toward it. Last evaluated 2025-09-13.

Conditions:
MLPH-related disorder. Also called: MLPH-related condition.

Submissions (4):

Labcorp Genetics (formerly Invitae), Labcorp
Classification: Likely benign. Last evaluated: 2025-09-13. Review status: criteria provided, single submitter. Criteria: Invitae Variant Classification Sherloc (09022015). Collection method: clinical testing. Allele origin: germline.

Blueprint Genetics
Classification: Likely benign. Last evaluated: 2024-11-25. Review status: criteria provided, single submitter. Criteria: ACMG Guidelines, 2015. Collection method: clinical testing. Allele origin: germline.

Genetic Services Laboratory, University of Chicago
Classification: Uncertain significance. Last evaluated: 2017-03-17. Review status: criteria provided, single submitter. Criteria: ACMG Guidelines, 2015. Collection method: clinical testing. Allele origin: germline. Affected: no.

PreventionGenetics, part of Exact Sciences
Classification: Likely benign for MLPH-related condition. Last evaluated: 2023-01-03. Review status: no assertion criteria provided. Collection method: clinical testing. Allele origin: germline. Not counted in ClinVar's aggregate classification.
Comment: This variant is classified as likely benign based on ACMG/AMP sequence variant interpretation guidelines (Richards et al. 2015 PMID: 25741868, with internal and published modifications).